The following is an entry in ClinVar:

ClinVar aggregate classification (germline): Uncertain significance. Review status: criteria provided, multiple submitters, no conflicts (2 of 4 stars). 4 submissions from 4 submitters: Uncertain significance (4). Last evaluated 2025-08-24.

Conditions:
X-linked Emery-Dreifuss muscular dystrophy. Also called: Muscular dystrophy, tardive Emery-Dreifuss type, with contractures. Identifiers: Orphanet 261, Orphanet 98863, MedGen C0751337, MONDO:0010680.

Allele frequency attached by ClinVar (database versions not stated): ExAC 0.00001; gnomAD 0.00002; gnomAD exomes 0.00002 and 0.00003; TOPMed 0.00003; ESP Exome Variant Server 0.00019.
gnomAD v4.1: 39 of 1,210,029 alleles (0.0032%); highest among the groups gnomAD compares: Non-Finnish European, 0.004%; no homozygotes.

Submissions (4):

Labcorp Genetics (formerly Invitae), Labcorp
Classification: Uncertain significance for X-linked Emery-Dreifuss muscular dystrophy. Last evaluated: 2025-08-24. Review status: criteria provided, single submitter. Criteria: Invitae Variant Classification Sherloc (09022015). Collection method: clinical testing. Allele origin: germline.
Comment: This sequence change replaces aspartic acid, which is acidic and polar, with asparagine, which is neutral and polar, at codon 81 of the EMD protein (p.Asp81Asn). This variant is present in population databases (rs141138209, gnomAD 0.004%). This variant has not been reported in the literature in individuals affected with EMD-related conditions. ClinVar contains an entry for this variant (Variation ID: 1416029). Invitae Evidence Modeling of protein sequence and biophysical properties (such as structural, functional, and spatial information, amino acid conservation, physicochemical variation, residue mobility, and thermodynamic stability) indicates that this missense variant is not expected to disrupt EMD protein function with a negative predictive value of 80%. In summary, the available evidence is currently insufficient to determine the role of this variant in disease. Therefore, it has been classified as a Variant of Uncertain Significance.

Mayo Clinic Laboratories, Mayo Clinic
Classification: Uncertain significance. Last evaluated: 2024-03-07. Review status: criteria provided, single submitter. Criteria: ACMG Guidelines, 2015. Collection method: clinical testing. Allele origin: germline. Observed: 1 variant allele.

GeneDx
Classification: Uncertain significance. Last evaluated: 2022-07-18. Review status: criteria provided, single submitter. Criteria: GeneDx Variant Classification Process June 2021. Collection method: clinical testing. Allele origin: germline. Affected: yes.
Comment: In silico analysis supports that this missense variant does not alter protein structure/function; Has not been previously published as pathogenic or benign to our knowledge

Fulgent Genetics
Classification: Uncertain significance for Emery-Dreifuss muscular dystrophy 1, X-linked. Last evaluated: 2022-02-11. Review status: criteria provided, single submitter. Criteria: ACMG Guidelines, 2015. Collection method: clinical testing. Allele origin: unknown.

NM_000117.3(EMD):c.241G>A (p.Asp81Asn)

Gene: EMD (emerin; plus strand). Cytogenetic location: Xq28.
Variant type: single nucleotide variant.
Coding change: c.241G>A on transcript NM_000117.3 (MANE Select); coding-DNA position 241, G replaced by A.
Protein change: p.Asp81Asn; replaces aspartic acid 81 with asparagine.
Molecular consequence: missense variant.
Genome position (GRCh38, 1-based): chrX:154,379,995, G>A. VCF-style: chrX-154379995-G-A. GRCh37 (hg19) VCF-style: chrX-153608355-G-A.
Other names: p.Asp81Asn; c.241G>A (NM_000117.2); short protein forms D81N.
Identifiers: ClinVar variation 1416029 (VCV001416029.7), dbSNP rs141138209, ClinGen allele CA10561549.